The following is an entry in ClinVar:

ClinVar aggregate classification (germline): Uncertain significance. Review status: criteria provided, multiple submitters, no conflicts (2 of 4 stars). 2 submissions from 2 submitters: Uncertain significance (2). Last evaluated 2025-07-02.

Conditions:
Epileptic encephalopathy. Identifiers: MedGen C0543888, HP:0200134.

Allele frequency attached by ClinVar (database versions not stated): gnomAD 0.00001; TOPMed 0.00002; gnomAD exomes 0.00007; ExAC 0.00009.
gnomAD v4.1: 26 of 1,612,732 alleles (0.0016%); highest among the groups gnomAD compares: Non-Finnish European, 0.0012%; no homozygotes.

Submissions (2):

Ambry Genetics
Classification: Uncertain significance. Last evaluated: 2025-07-02. Review status: criteria provided, single submitter. Criteria: Ambry Variant Classification Scheme 2023. Collection method: clinical testing. Allele origin: germline.

Labcorp Genetics (formerly Invitae), Labcorp
Classification: Uncertain significance for Epileptic encephalopathy. Last evaluated: 2020-10-10. Review status: criteria provided, single submitter. Criteria: Invitae Variant Classification Sherloc (09022015). Collection method: clinical testing. Allele origin: germline.
Comment: In summary, the available evidence is currently insufficient to determine the role of this variant in disease. Therefore, it has been classified as a Variant of Uncertain Significance. Algorithms developed to predict the effect of sequence changes on RNA splicing suggest that this variant may disrupt the consensus splice site, but this prediction has not been confirmed by published transcriptional studies. Algorithms developed to predict the effect of missense changes on protein structure and function (SIFT, PolyPhen-2, Align-GVGD) all suggest that this variant is likely to be disruptive, but these predictions have not been confirmed by published functional studies and their clinical significance is uncertain. This variant has not been reported in the literature in individuals with RYR3-related conditions. This variant is present in population databases (rs762645686, ExAC 0.03%). This sequence change replaces glycine with alanine at codon 722 of the RYR3 protein (p.Gly722Ala). The glycine residue is highly conserved and there is a small physicochemical difference between glycine and alanine.

NM_001036.6(RYR3):c.2165G>C (p.Gly722Ala)

Gene: RYR3 (ryanodine receptor 3; plus strand). Cytogenetic location: 15q14.
Variant type: single nucleotide variant.
Coding change: c.2165G>C on transcript NM_001036.6 (MANE Select); coding-DNA position 2165, G replaced by C.
Protein change: p.Gly722Ala; replaces glycine 722 with alanine.
Molecular consequence: missense variant.
Genome position (GRCh38, 1-based): chr15:33,613,183, G>C. VCF-style: chr15-33613183-G-C. GRCh37 (hg19) VCF-style: chr15-33905384-G-C.
Other names: c.2165G>C, p.Gly722Ala (NM_001243996.4); c.2165G>C (NM_001036.3); short protein forms G722A.
Identifiers: ClinVar variation 1005143 (VCV001005143.9), dbSNP rs762645686, ClinGen allele CA7458347.